The following is an entry in ClinVar:

ClinVar aggregate classification (germline): Uncertain significance. Review status: criteria provided, multiple submitters, no conflicts (2 of 4 stars). 2 submissions from 2 submitters: Uncertain significance (2). Last evaluated 2025-08-05.

Conditions:
Inborn genetic diseases. Identifiers: MedGen C0950123, MeSH D030342.
Tyrosinemia type I (TYRSN1). Also called: FAH DEFICIENCY; Tyrosinemia type 1; Fumarylacetoacetase deficiency; Deficiency of fumarylacetoacetase; HEPATORENAL TYROSINEMIA. Identifiers: Orphanet 882, MedGen C0268490, MONDO:0010161, OMIM 276700. Disease mechanism: loss of function.

Allele frequency attached by ClinVar (database versions not stated): gnomAD exomes 0.00002; ExAC 0.00007.
gnomAD v4.1: 26 of 1,614,106 alleles (0.0016%); highest among the groups gnomAD compares: South Asian, 0.026%; no homozygotes.

Submissions (2):

Ambry Genetics
Classification: Uncertain significance for Inborn genetic diseases. Last evaluated: 2025-08-05. Review status: criteria provided, single submitter. Criteria: Ambry Variant Classification Scheme 2023. Collection method: clinical testing. Allele origin: germline.

Labcorp Genetics (formerly Invitae), Labcorp
Classification: Uncertain significance for Tyrosinemia type I. Last evaluated: 2021-08-30. Review status: criteria provided, single submitter. Criteria: Invitae Variant Classification Sherloc (09022015). Collection method: clinical testing. Allele origin: germline.
Comment: This sequence change replaces valine with leucine at codon 274 of the FAH protein (p.Val274Leu). The valine residue is moderately conserved and there is a small physicochemical difference between valine and leucine. This variant is present in population databases (rs775156172, ExAC 0.05%). This variant has not been reported in the literature in individuals affected with FAH-related conditions. Algorithms developed to predict the effect of missense changes on protein structure and function output the following: SIFT: "Tolerated"; PolyPhen-2: "Benign"; Align-GVGD: "Class C0". The leucine amino acid residue is found in multiple mammalian species, which suggests that this missense change does not adversely affect protein function. In summary, the available evidence is currently insufficient to determine the role of this variant in disease. Therefore, it has been classified as a Variant of Uncertain Significance.

NM_000137.4(FAH):c.820G>C (p.Val274Leu)

Gene: FAH (fumarylacetoacetate hydrolase; plus strand). Cytogenetic location: 15q25.1.
Variant type: single nucleotide variant.
Coding change: c.820G>C on transcript NM_000137.4 (MANE Select); coding-DNA position 820, G replaced by C.
Protein change: p.Val274Leu; replaces valine 274 with leucine.
Molecular consequence: missense variant.
Genome position (GRCh38, 1-based): chr15:80,173,127, G>C. VCF-style: chr15-80173127-G-C. GRCh37 (hg19) VCF-style: chr15-80465469-G-C.
Other names: c.820G>C, p.Val274Leu (NM_001374377.1, NM_001374380.1); c.820G>C (NM_000137.2); short protein forms V274L.
Identifiers: ClinVar variation 2163029 (VCV002163029.2), dbSNP rs775156172, ClinGen allele CA7691342.
Genomic context (GRCh38, chr15:80,173,127, plus strand): 5'-AGTTTTGGGACCACTGTCTCTCCGTGGGTGGTGCCCATGGATGCTCTCATGCCCTTTGCT[G>C]TGCCCAACCCGAAGCAGGTAAGCACATTCTCTGCAGGAAGCTCCCAAACCCAGCCCTGCT-3'
Protein context (NP_000128.1, residues 264-284): VPMDALMPFA[Val274Leu]PNPKQDPRPL